The following is an entry in ClinVar:

ClinVar aggregate classification (germline): Uncertain significance (1 of 4 stars; one submission).

Conditions:
Autosomal recessive limb-girdle muscular dystrophy type 2O. Also called: Limb-Girdle Muscular Dystrophy Type 3C; MUSCULAR DYSTROPHY-DYSTROGLYCANOPATHY (LIMB-GIRDLE), TYPE C, 3; MUSCULAR DYSTROPHY-DYSTROGLYCANOPATHY, LIMB-GIRDLE, POMGNT1-RELATED. Identifiers: Orphanet 206564, MedGen C3150417, MONDO:0013161, OMIM 613157.
Muscular dystrophy-dystroglycanopathy (congenital with impaired intellectual development), type B, 3. Also called: MUSCULAR DYSTROPHY, CONGENITAL, POMGNT1-RELATED; Muscular dystrophy-dystroglycanopathy (congenital with intellectual disability), type B3. Identifiers: MedGen C3150412, MONDO:0013155, OMIM 613151.

Submission:

Labcorp Genetics (formerly Invitae), Labcorp
Classification: Uncertain significance for Autosomal recessive limb-girdle muscular dystrophy type 2O; Muscular dystrophy-dystroglycanopathy (congenital with impaired intellectual development), type B, 3. Last evaluated: 2024-04-25. Review status: criteria provided, single submitter. Criteria: Invitae Variant Classification Sherloc (09022015). Collection method: clinical testing. Allele origin: germline.
Comment: This sequence change affects codon 40 of the POMGNT1 mRNA. It is a 'silent' change, meaning that it does not change the encoded amino acid sequence of the POMGNT1 protein. This variant also falls at the last nucleotide of exon 2, which is part of the consensus splice site for this exon. This variant is not present in population databases (gnomAD no frequency). This variant has not been reported in the literature in individuals affected with POMGNT1-related conditions. ClinVar contains an entry for this variant (Variation ID: 1003031). Variants that disrupt the consensus splice site are a relatively common cause of aberrant splicing (PMID: 17576681, 9536098). Algorithms developed to predict the effect of sequence changes on RNA splicing suggest that this variant may disrupt the consensus splice site. In summary, the available evidence is currently insufficient to determine the role of this variant in disease. Therefore, it has been classified as a Variant of Uncertain Significance.

Literature cited by the submitters: PubMed 17576681; PubMed 9536098.

NM_017739.4(POMGNT1):c.120G>A (p.Gln40=)

Gene: POMGNT1 (protein O-linked mannose N-acetylglucosaminyltransferase 1 (beta 1,2-); minus strand). Cytogenetic location: 1p34.1.
Variant type: single nucleotide variant.
Coding change: c.120G>A on transcript NM_017739.4 (MANE Select); coding-DNA position 120, G replaced by A.
Protein change: p.Gln40=; no amino-acid change (glutamine 40 retained).
Molecular consequence: synonymous variant.
Genome position (GRCh38, 1-based): chr1:46,197,702, C>T on the plus strand (G>A on the coding strand, the complement: POMGNT1 is on the minus strand). VCF-style: chr1-46197702-C-T. GRCh37 (hg19) VCF-style: chr1-46663374-C-T.
Other names: c.120G>A, p.Gln40= (NM_001243766.2).
Identifiers: ClinVar variation 1003031 (VCV001003031.10), dbSNP rs1658354104, ClinGen allele CA417720315.
Genomic context (GRCh38, chr1:46,197,702, plus strand): 5'-TAGGTGGGGAGGAAGCTGGGAGGGAGCGCTCGGTGGGGAGGGTTTGGGACATCTCTATAC[C>T]TGACAGAATCTCCGCAGGGCCCGCTGGTTTGTCAGTTTATACTTCCAGGTAAGGTACCAG-3'
Protein context (NP_060209.4, residues 30-50): TNQRALRRFC[Gln40=]TGAVLFLLVT